The following is an entry in ClinVar:

ClinVar aggregate classification (germline): Conflicting classifications of pathogenicity. Review status: no assertion criteria provided (0 of 4 stars). 2 submissions from 2 submitters: Likely risk allele (1); Benign (1). Last evaluated 2025-03-07.

Conditions:
Abacavir hypersensitivity. Also called: Ziagen hypersensitivity. Identifiers: MedGen C5768819.
Autism spectrum disorder. Also called: Autism spectrum disorders. Identifiers: MedGen C1510586, MeSH D000067877, MONDO:0005258.

Allele frequency attached by ClinVar (database versions not stated): gnomAD 0.02388 and 0.02358; TOPMed 0.02388; ExAC 0.02826; 1000 Genomes Project 30x 0.03076; gnomAD exomes 0.02699 and 0.03028; ESP Exome Variant Server 0.02899; 1000 Genomes Project 0.03335.

Submissions (2):

OMIM
Classification: Benign for RECLASSIFIED - HLA-B POLYMORPHISM. Last evaluated: 2025-03-07. Review status: no assertion criteria provided. Collection method: literature only. Allele origin: germline.

Gene Friend Way, National Innovation Center
Classification: Likely risk allele for Autism spectrum disorder. Last evaluated: 2023-07-28. Review status: no assertion criteria provided. Collection method: clinical testing. Allele origin: unknown. Affected: yes. Observed: 14 variant alleles.
Comment: A mutation in HLA complex P5. Many recent studies have shown that HCP5 SNP sequences are strongly associated with various chronic and infectious diseases. Several alleles of HLA genes has been reported to be associated with autism, intellectual disability, schizophrenia (PMID: 30976114). rs2395029 is in complete linkage disequilibrium with HLA-B*5701 (PMID: 31421661), which is a risk allele of intellectual disability (PMID: 30976114).

Literature cited by the submitters: Hamosh, A. Personal Communication. 2025. Baltimore, Md. (cited by OMIM).

HLA-B*57:01

Genes: HCP5 (HLA complex P5; plus strand), HLA-B (major histocompatibility complex, class I, B; minus strand). Cytogenetic location: 6p21.33.
Variant type: single nucleotide variant.
Molecular consequence: non-coding transcript variant (on NR_040662.1).
Genome position: GRCh38 VCF-style: chr6-31464003-T-G. GRCh37 (hg19) VCF-style: chr6-31431780-T-G.
Identifiers: ClinVar variation 14910 (VCV000014910.5), dbSNP rs2395029, ClinGen allele CA3712435.